The following is an entry in ClinVar:

ClinVar aggregate classification (germline): Uncertain significance (1 of 4 stars; one submission).

Conditions:
Susceptibility to respiratory infections associated with CD8alpha chain mutation (IMD116). Also called: Cd8 deficiency, familial; IMMUNODEFICIENCY 116. Identifiers: Orphanet 169085, MedGen C1837065, MONDO:0012161, OMIM 608957.

Allele frequency attached by ClinVar (database versions not stated): TOPMed below 0.00001; ExAC 0.00001; gnomAD exomes 0.00001 and 0.00002.
gnomAD v4.1: 10 of 1,612,704 alleles (0.00062%); highest among the groups gnomAD compares: East Asian, 0.02%; no homozygotes.

Submission:

Labcorp Genetics (formerly Invitae), Labcorp
Classification: Uncertain significance for Susceptibility to respiratory infections associated with CD8alpha chain mutation. Last evaluated: 2021-09-24. Review status: criteria provided, single submitter. Criteria: Invitae Variant Classification Sherloc (09022015). Collection method: clinical testing. Allele origin: germline.
Comment: This sequence change replaces serine with proline at codon 199 of the CD8A protein (p.Ser199Pro). The serine residue is highly conserved and there is a moderate physicochemical difference between serine and proline. This variant is present in population databases (rs746351511, ExAC 0.01%). This variant has not been reported in the literature in individuals with CD8A-related conditions. Algorithms developed to predict the effect of missense changes on protein structure and function are either unavailable or do not agree on the potential impact of this missense change (SIFT: "Deleterious"; PolyPhen-2: "Probably Damaging"; Align-GVGD: "Class C0"). In summary, the available evidence is currently insufficient to determine the role of this variant in disease. Therefore, it has been classified as a Variant of Uncertain Significance.

NM_001768.7(CD8A):c.595T>C (p.Ser199Pro)

Gene: CD8A (CD8 subunit alpha; minus strand). Cytogenetic location: 2p11.2.
Variant type: single nucleotide variant.
Coding change: c.595T>C on transcript NM_001768.7 (MANE Select); coding-DNA position 595, T replaced by C.
Protein change: p.Ser199Pro; replaces serine 199 with proline.
Molecular consequence: missense variant. On other transcripts: non-coding transcript variant (2), intron variant (1).
Genome position (GRCh38, 1-based): chr2:86,789,353, A>G on the plus strand (T>C on the coding strand, the complement: CD8A is on the minus strand). VCF-style: chr2-86789353-A-G. GRCh37 (hg19) VCF-style: chr2-87016476-A-G.
Other names: c.595T>C, p.Ser199Pro (NM_001145873.1, NM_001382698.1); c.514+287T>C (NM_171827.4); short protein forms S199P.
Identifiers: ClinVar variation 1439366 (VCV001439366.5), dbSNP rs746351511, ClinGen allele CA1751142.
Genomic context (GRCh38, chr2:86,789,353, plus strand): 5'-TCCTTCCCGCCGCGATTCCTCGGGACTTACTGTGGTTGCAGTAAAGGGTGATAACCAGTG[A>G]CAGGAGAAGGACCCCACAAGTCCCGGCCAAGGGCGCCCAGATGTAGATATCACAGGCGAA-3'
Protein context (NP_001759.3, residues 189-209): LAGTCGVLLL[Ser199Pro]LVITLYCNHR